The following is an entry in ClinVar:

ClinVar aggregate classification (germline): Uncertain significance (1 of 4 stars; one submission).

Conditions:
Wilms tumor 1 (WT1). Also called: Wilms tumor, somatic. Identifiers: Orphanet 654, MedGen CN033288, MONDO:0008679, OMIM 194070.

Submission:

Labcorp Genetics (formerly Invitae), Labcorp
Classification: Uncertain significance for Wilms tumor 1. Last evaluated: 2023-08-24. Review status: criteria provided, single submitter. Criteria: Invitae Variant Classification Sherloc (09022015). Collection method: clinical testing. Allele origin: germline.
Comment: In summary, the available evidence is currently insufficient to determine the role of this variant in disease. Therefore, it has been classified as a Variant of Uncertain Significance. Advanced modeling of protein sequence and biophysical properties (such as structural, functional, and spatial information, amino acid conservation, physicochemical variation, residue mobility, and thermodynamic stability) performed at Invitae indicates that this missense variant is expected to disrupt GPC3 protein function. ClinVar contains an entry for this variant (Variation ID: 567548). This variant has not been reported in the literature in individuals affected with GPC3-related conditions. This variant is not present in population databases (gnomAD no frequency). This sequence change replaces tyrosine, which is neutral and polar, with cysteine, which is neutral and slightly polar, at codon 314 of the GPC3 protein (p.Tyr314Cys).

NM_004484.4(GPC3):c.941A>G (p.Tyr314Cys)

Gene: GPC3 (glypican 3; minus strand). Cytogenetic location: Xq26.2.
Variant type: single nucleotide variant.
Coding change: c.941A>G on transcript NM_004484.4 (MANE Select); coding-DNA position 941, A replaced by G.
Protein change: p.Tyr314Cys; replaces tyrosine 314 with cysteine.
Molecular consequence: missense variant.
Genome position (GRCh38, 1-based): chrX:133,753,573, T>C on the plus strand (A>G on the coding strand, the complement: GPC3 is on the minus strand). VCF-style: chrX-133753573-T-C. GRCh37 (hg19) VCF-style: chrX-132887600-T-C.
Other names: c.941A>G, p.Tyr314Cys (NM_001164617.2); c.893A>G, p.Tyr298Cys (NM_001164618.2); c.779A>G, p.Tyr260Cys (NM_001164619.2); short protein forms Y314C, Y260C, Y298C.
Identifiers: ClinVar variation 567548 (VCV000567548.9), dbSNP rs1569426081, ClinGen allele CA414705201.